The following is an entry in ClinVar:

ClinVar aggregate classification (germline): Uncertain significance (1 of 4 stars; one submission).

Conditions:
Catecholaminergic polymorphic ventricular tachycardia 1. Also called: VENTRICULAR TACHYCARDIA, STRESS-INDUCED POLYMORPHIC 1; RYR2-Related Catecholaminergic Polymorphic Ventricular Tachycardia; VENTRICULAR TACHYCARDIA, CATECHOLAMINERGIC POLYMORPHIC, 1, WITH OR WITHOUT ATRIAL DYSFUNCTION AND/OR DILATED CARDIOMYOPATHY. Identifiers: Orphanet 3286, MedGen C1631597, MONDO:0011484, OMIM 604772.

gnomAD v4.1: 4 of 1,613,772 alleles (0.00025%); highest among the groups gnomAD compares: Admixed American, 0.0017%; no homozygotes.

Submission:

Labcorp Genetics (formerly Invitae), Labcorp
Classification: Uncertain significance for Catecholaminergic polymorphic ventricular tachycardia 1. Last evaluated: 2022-02-20. Review status: criteria provided, single submitter. Criteria: Invitae Variant Classification Sherloc (09022015). Collection method: clinical testing. Allele origin: germline.
Comment: This sequence change affects codon 2035 of the RYR2 mRNA. It is a 'silent' change, meaning that it does not change the encoded amino acid sequence of the RYR2 protein. This variant is present in population databases (rs758415567, gnomAD 0.003%). This variant has not been reported in the literature in individuals affected with RYR2-related conditions. Algorithms developed to predict the effect of sequence changes on RNA splicing suggest that this variant may disrupt the consensus splice site. In summary, the available evidence is currently insufficient to determine the role of this variant in disease. Therefore, it has been classified as a Variant of Uncertain Significance.

NM_001035.3(RYR2):c.6105G>A (p.Lys2035=)

Gene: RYR2 (ryanodine receptor 2; plus strand). Cytogenetic location: 1q43.
Variant type: single nucleotide variant.
Coding change: c.6105G>A on transcript NM_001035.3 (MANE Select); coding-DNA position 6105, G replaced by A.
Protein change: p.Lys2035=; no amino-acid change (lysine 2035 retained).
Molecular consequence: synonymous variant.
Genome position (GRCh38, 1-based): chr1:237,625,743, G>A. VCF-style: chr1-237625743-G-A. GRCh37 (hg19) VCF-style: chr1-237789043-G-A.
Identifiers: ClinVar variation 2100763 (VCV002100763.4), dbSNP rs758415567, ClinGen allele CA087045.
Genomic context (GRCh38, chr1:237,625,743, plus strand): 5'-GTCTCTGGATGGAAACAGTGATTTAACAATTAGAGGGCGTCTGCTATCCCTGGTAGAAAA[G>A]GTGACATATCTGAAGAAGAAGCAAGCAGAAAAACCAGTTGAGAGTGACTCCAAAAAGTCC-3'
Protein context (NP_001026.2, residues 2025-2045): IRGRLLSLVE[Lys2035=]VTYLKKKQAE